The following is an entry in ClinVar:

ClinVar aggregate classification (germline): Uncertain significance (1 of 4 stars; one submission).

Conditions:
Hypertrophic cardiomyopathy. Also called: HYPERTROPHIC MYOCARDIOPATHY. Identifiers: Orphanet 217569, MedGen C0007194, MeSH D002312, MONDO:0005045, HP:0001639.

Submission:

Labcorp Genetics (formerly Invitae), Labcorp
Classification: Uncertain significance for Hypertrophic cardiomyopathy. Last evaluated: 2024-09-19. Review status: criteria provided, single submitter. Criteria: Invitae Variant Classification Sherloc (09022015). Collection method: clinical testing. Allele origin: germline.
Comment: This sequence change replaces threonine, which is neutral and polar, with isoleucine, which is neutral and non-polar, at codon 1317 of the MYOM1 protein (p.Thr1317Ile). This variant is not present in population databases (gnomAD no frequency). This variant has not been reported in the literature in individuals affected with MYOM1-related conditions. Invitae Evidence Modeling of protein sequence and biophysical properties (such as structural, functional, and spatial information, amino acid conservation, physicochemical variation, residue mobility, and thermodynamic stability) has been performed for this missense variant. However, the output from this modeling did not meet the statistical confidence thresholds required to predict the impact of this variant on MYOM1 protein function. In summary, the available evidence is currently insufficient to determine the role of this variant in disease. Therefore, it has been classified as a Variant of Uncertain Significance.

NM_003803.4(MYOM1):c.3950C>T (p.Thr1317Ile)

Gene: MYOM1 (myomesin 1; minus strand). Cytogenetic location: 18p11.31.
Variant type: single nucleotide variant.
Coding change: c.3950C>T on transcript NM_003803.4 (MANE Select); coding-DNA position 3950, C replaced by T.
Protein change: p.Thr1317Ile; replaces threonine 1317 with isoleucine.
Molecular consequence: missense variant.
Genome position (GRCh38, 1-based): chr18:3,090,717, G>A on the plus strand (C>T on the coding strand, the complement: MYOM1 is on the minus strand). VCF-style: chr18-3090717-G-A. GRCh37 (hg19) VCF-style: chr18-3090715-G-A.
Other names: c.3662C>T, p.Thr1221Ile (NM_019856.2); short protein forms T1221I, T1317I.
Identifiers: ClinVar variation 3622169 (VCV003622169.2).